The following is an entry in ClinVar:

NM_000059.4(BRCA2):c.9160_9161delinsGT (p.Pro3054Val)

Gene: BRCA2 (BRCA2 DNA repair associated; plus strand). Cytogenetic location: 13q13.1.
Variant type: Indel.
Coding change: c.9160_9161delinsGT on transcript NM_000059.4 (MANE Select); coding-DNA positions 9160 to 9161, CC replaced by GT.
Protein change: p.Pro3054Val; replaces proline 3054 with valine.
Molecular consequence: missense variant.
Genome position (GRCh38, 1-based): chr13:32,380,049-32,380,050, CC replaced by GT. VCF-style: chr13-32380049-CC-GT. GRCh37 (hg19) VCF-style: chr13-32954186-CC-GT.
Other names: c.9064_9065delCCinsGT, p.Pro3022Val (NM_001406719.1); c.9109_9110delCCinsGT, p.Pro3037Val (NM_001406720.1); c.4228_4229delCCinsGT, p.Pro1410Val (NM_001406721.1); c.2743_2744delCCinsGT, p.Pro915Val (NM_001406722.1); short protein forms P1410V, P3022V, P3037V, P3054V, P915V.
Identifiers: ClinVar variation 1766012 (VCV001766012.2), dbSNP rs2548556099, ClinGen allele CA2580087504.
Genomic context (GRCh38, chr13:32,380,049, plus strand): 5'-TTGTTTTGTTTTCTGTAGGTTTCAGATGAAATTTTATTTCAGATTTACCAGCCACGGGAG[CC>GT]CCTTCACTTCAGCAAATTTTTAGATCCAGACTTTCAGCCATCTTGTTCTGAGGTGGACCT-3'
Protein context (NP_000050.3, residues 3044-3064): ILFQIYQPRE[Pro3054Val]LHFSKFLDPD

ClinVar aggregate classification (germline): Uncertain significance (1 of 4 stars; one submission).

Conditions:
Hereditary cancer-predisposing syndrome. Also called: Neoplastic Syndromes, Hereditary; Tumor predisposition; Hereditary Cancer Syndrome; Hereditary neoplastic syndrome. Identifiers: Orphanet 140162, MedGen C0027672, MeSH D009386, MONDO:0015356.

Submission:

Ambry Genetics
Classification: Uncertain significance for Hereditary cancer-predisposing syndrome. Last evaluated: 2022-03-03. Review status: criteria provided, single submitter. Criteria: Ambry Variant Classification Scheme 2023. Collection method: clinical testing. Allele origin: germline.
Comment: The c.9160_9161delCCinsGT variant (also known as p.P3054V), located in coding exon 23 of the BRCA2 gene, results from an in-frame deletion of CC and insertion of GT at nucleotide positions 9160 to 9161. This results in the substitution of the proline residue for a valine residue at codon 3054, an amino acid with similar properties. In addition, this alteration is predicted to be neutral by in silico analysis (Choi Y et al. PLoS ONE. 2012; 7(10):e46688). Since supporting evidence is limited at this time, the clinical significance of this alteration remains unclear.